The following is an entry in ClinVar:

NM_013336.4(SEC61A1):c.1402G>A (p.Val468Ile)

Genes: RUVBL1 (RuvB like AAA ATPase 1; minus strand), SEC61A1 (SEC61 translocon subunit alpha 1; plus strand). Cytogenetic location: 3q21.3.
Variant type: single nucleotide variant.
Coding change: c.1402G>A on transcript NM_013336.4 (MANE Select); coding-DNA position 1402, G replaced by A.
Protein change: p.Val468Ile; replaces valine 468 with isoleucine.
Molecular consequence: missense variant. On other transcripts: intron variant (1).
Genome position (GRCh38, 1-based): chr3:128,069,633, G>A. VCF-style: chr3-128069633-G-A. GRCh37 (hg19) VCF-style: chr3-127788476-G-A.
Other names: c.1420G>A, p.Val474Ile (NM_001400328.1); c.1243G>A, p.Val415Ile (NM_001400329.1); c.940-4413C>T (NM_001319086.1); short protein forms V415I, V468I, V474I.
Identifiers: ClinVar variation 2042196 (VCV002042196.4), dbSNP rs768324927, ClinGen allele CA2598646.

ClinVar aggregate classification (germline): Uncertain significance. Review status: criteria provided, multiple submitters, no conflicts (2 of 4 stars). 2 submissions from 2 submitters: Uncertain significance (2). Last evaluated 2025-10-24.

Conditions:
Inborn genetic diseases. Identifiers: MedGen C0950123, MeSH D030342.

Allele frequency attached by ClinVar (database versions not stated): TOPMed 0.00005; gnomAD 0.00003.
gnomAD v4.1: 31 of 1,614,008 alleles (0.0019%); highest among the groups gnomAD compares: Admixed American, 0.01%; no homozygotes.

Submissions (2):

Labcorp Genetics (formerly Invitae), Labcorp
Classification: Uncertain significance. Last evaluated: 2025-10-24. Review status: criteria provided, single submitter. Criteria: Invitae Variant Classification Sherloc (09022015). Collection method: clinical testing. Allele origin: germline.
Comment: This sequence change replaces valine, which is neutral and non-polar, with isoleucine, which is neutral and non-polar, at codon 468 of the SEC61A1 protein (p.Val468Ile). This variant is present in population databases (rs768324927, gnomAD 0.02%). This variant has not been reported in the literature in individuals affected with SEC61A1-related conditions. ClinVar contains an entry for this variant (Variation ID: 2042196). An algorithm developed to predict the effect of missense changes on protein structure and function (PolyPhen-2) suggests that this variant is likely to be tolerated. In summary, the available evidence is currently insufficient to determine the role of this variant in disease. Therefore, it has been classified as a Variant of Uncertain Significance.

Ambry Genetics
Classification: Uncertain significance for Inborn genetic diseases. Last evaluated: 2024-03-04. Review status: criteria provided, single submitter. Criteria: Ambry Variant Classification Scheme 2023. Collection method: clinical testing. Allele origin: germline.